The following is an entry in ClinVar:

ClinVar aggregate classification (germline): Uncertain significance. Review status: criteria provided, multiple submitters, no conflicts (2 of 4 stars). 4 submissions from 4 submitters: Uncertain significance (4). Last evaluated 2024-08-05.

Conditions:
RYR1-related disorder. Also called: RYR1-related disorders; RYR1-related condition. Identifiers: MedGen CN239331.
Malignant hyperthermia, susceptibility to, 1 (MHS1). Also called: Malignant hyperthermia suceptibility 1; RYR1-Related Malignant Hyperthermia Susceptibility; Anesthesia related hyperthermia; Malignant hyperpyrexia; Fulminating hyperpyrexia; Pharmacogenic myopathy. Identifiers: Orphanet 423, MedGen C2930980, MONDO:0007783, OMIM 145600.

Allele frequency attached by ClinVar (database versions not stated): gnomAD 0.00001; TOPMed 0.00004; ExAC 0.00005; gnomAD exomes 0.00006.
gnomAD v4.1: 22 of 1,613,756 alleles (0.0014%); highest among the groups gnomAD compares: Admixed American, 0.027%; no homozygotes.

Submissions (4):

Labcorp Genetics (formerly Invitae), Labcorp
Classification: Uncertain significance for RYR1-related disorder. Last evaluated: 2024-08-05. Review status: criteria provided, single submitter. Criteria: Invitae Variant Classification Sherloc (09022015). Collection method: clinical testing. Allele origin: germline.
Comment: This sequence change replaces isoleucine, which is neutral and non-polar, with threonine, which is neutral and polar, at codon 3484 of the RYR1 protein (p.Ile3484Thr). This variant is present in population databases (rs757272442, gnomAD 0.04%). This variant has not been reported in the literature in individuals affected with RYR1-related conditions. ClinVar contains an entry for this variant (Variation ID: 578744). Advanced modeling of protein sequence and biophysical properties (such as structural, functional, and spatial information, amino acid conservation, physicochemical variation, residue mobility, and thermodynamic stability) performed at Invitae indicates that this missense variant is not expected to disrupt RYR1 protein function with a negative predictive value of 95%. In summary, the available evidence is currently insufficient to determine the role of this variant in disease. Therefore, it has been classified as a Variant of Uncertain Significance.

All of Us Research Program, National Institutes of Health
Classification: Uncertain significance for Malignant hyperthermia, susceptibility to, 1. Last evaluated: 2024-06-11. Review status: criteria provided, single submitter. Criteria: ACMG Guidelines, 2015. Collection method: clinical testing. Allele origin: germline. Inheritance: Autosomal dominant inheritance. Observed: 11 variant alleles, 11 heterozygotes.
Comment: This missense variant replaces isoleucine with threonine at codon 3484 of the RYR1 protein. Computational prediction suggests that this variant may not impact protein structure and function (internally defined REVEL score threshold <= 0.5, PMID: 27666373). To our knowledge, functional studies have not been reported for this variant. This variant has not been reported in individuals affected with RYR1-related disorders in the literature. This variant has been identified in 14/251176 chromosomes in the general population by the Genome Aggregation Database (gnomAD). The available evidence is insufficient to determine the role of this variant in disease conclusively. Therefore, this variant is classified as a Variant of Uncertain Significance.

This study involves interpretation of variants in research participants for the purpose of population health screening. Participant phenotype was not available at the time of variant classification. Additional details can be found in publication PMID: 35346344, PMCID: PMC8962531

Color Diagnostics, LLC DBA Color Health
Classification: Uncertain significance for Malignant hyperthermia, susceptibility to, 1. Last evaluated: 2024-03-22. Review status: criteria provided, single submitter. Criteria: ACMG Guidelines, 2015. Collection method: clinical testing. Allele origin: germline.
Comment: This missense variant replaces isoleucine with threonine at codon 3484 of the RYR1 protein. Computational prediction suggests that this variant may not impact protein structure and function. To our knowledge, functional studies have not been reported for this variant. This variant has not been reported in individuals affected with RYR1-related disorders in the literature. This variant has been identified in 14/251176 chromosomes in the general population by the Genome Aggregation Database (gnomAD). The available evidence is insufficient to determine the role of this variant in disease conclusively. Therefore, this variant is classified as a Variant of Uncertain Significance.

Revvity Omics, Revvity
Classification: Uncertain significance. Last evaluated: 2021-08-23. Review status: criteria provided, single submitter. Criteria: ACMG Guidelines, 2015. Collection method: clinical testing. Allele origin: germline.

NM_000540.3(RYR1):c.10451T>C (p.Ile3484Thr)

Gene: RYR1 (ryanodine receptor 1; plus strand). Cytogenetic location: 19q13.2.
Variant type: single nucleotide variant.
Coding change: c.10451T>C on transcript NM_000540.3 (MANE Select); coding-DNA position 10451, T replaced by C.
Protein change: p.Ile3484Thr; replaces isoleucine 3484 with threonine.
Molecular consequence: missense variant. On other transcripts: intron variant (1).
Genome position (GRCh38, 1-based): chr19:38,523,925, T>C. VCF-style: chr19-38523925-T-C. GRCh37 (hg19) VCF-style: chr19-39014565-T-C.
Other names: c.10440+616T>C (NM_001042723.2); short protein forms I3484T.
Identifiers: ClinVar variation 578744 (VCV000578744.15), dbSNP rs757272442, ClinGen allele CA053574.